The following is an entry in ClinVar:

NM_181486.4(TBX5):c.983-1761C>T

Gene: TBX5 (T-box transcription factor 5; minus strand). Cytogenetic location: 12q24.21.
Variant type: single nucleotide variant.
Coding change: c.983-1761C>T on transcript NM_181486.4 (MANE Select); 1761 bases into the intron before coding-DNA position 983, C replaced by T.
Molecular consequence: intron variant.
Genome position (GRCh38, 1-based): chr12:114,357,867, G>A on the plus strand (C>T on the coding strand, the complement: TBX5 is on the minus strand). VCF-style: chr12-114357867-G-A. GRCh37 (hg19) VCF-style: chr12-114795672-G-A.
Other names: c.833-1761C>T (NM_080717.4); c.983-1761C>T (NM_000192.3).
Identifiers: ClinVar variation 4538276 (VCV004538276.1).

ClinVar aggregate classification (germline): Uncertain significance (1 of 4 stars; one submission).

Submission:

Greenwood Genetic Center Diagnostic Laboratories, Greenwood Genetic Center
Classification: Uncertain significance. Last evaluated: 2025-06-02. Review status: criteria provided, single submitter. Criteria: ACMG Guidelines, 2015. Collection method: clinical testing. Allele origin: germline. Affected: yes.
Comment: PM2, BP4